The following is an entry in ClinVar:

NM_004100.5(EYA4):c.1786G>A (p.Val596Ile)

Genes: EYA4 (EYA transcriptional coactivator and phosphatase 4; plus strand), TARID (TCF21 antisense RNA inducing promoter demethylation; minus strand). Cytogenetic location: 6q23.2.
Variant type: single nucleotide variant.
Coding change: c.1786G>A on transcript NM_004100.5 (MANE Select); coding-DNA position 1786, G replaced by A.
Protein change: p.Val596Ile; replaces valine 596 with isoleucine.
Molecular consequence: missense variant. On other transcripts: intron variant (3).
Genome position (GRCh38, 1-based): chr6:133,525,201, G>A. VCF-style: chr6-133525201-G-A. GRCh37 (hg19) VCF-style: chr6-133846339-G-A.
Other names: c.1804G>A, p.Val602Ile (NM_001301013.2); c.1642G>A, p.Val548Ile (NM_001370459.1); c.1717G>A, p.Val573Ile (NM_172103.4); c.1839+86G>A (NM_172105.4); c.1770+86G>A (NM_001370458.1); c.1677+86G>A (NM_001301012.2); short protein forms V548I, V602I, V596I, V573I.
Identifiers: ClinVar variation 1780096 (VCV001780096.7), dbSNP rs890246005, ClinGen allele CA148048682.

ClinVar aggregate classification (germline): Uncertain significance. Review status: criteria provided, multiple submitters, no conflicts (2 of 4 stars). 2 submissions from 2 submitters: Uncertain significance (2). Last evaluated 2025-09-04.

Conditions:
Cardiovascular phenotype. Identifiers: MedGen CN230736.
Dilated cardiomyopathy 1J (CMD1J). Also called: CARDIOMYOPATHY, DILATED, WITH SENSORINEURAL HEARING LOSS, AUTOSOMAL DOMINANT. Identifiers: Orphanet 217622, MedGen C1854368, MONDO:0011541, OMIM 605362.

gnomAD v4.1: 10 of 1,613,820 alleles (0.00062%); highest among the groups gnomAD compares: African/African-American, 0.0027%; no homozygotes.

Submissions (2):

Labcorp Genetics (formerly Invitae), Labcorp
Classification: Uncertain significance for Dilated cardiomyopathy 1J. Last evaluated: 2025-09-04. Review status: criteria provided, single submitter. Criteria: Invitae Variant Classification Sherloc (09022015). Collection method: clinical testing. Allele origin: germline.
Comment: This sequence change replaces valine, which is neutral and non-polar, with isoleucine, which is neutral and non-polar, at codon 596 of the EYA4 protein (p.Val596Ile). This variant is present in population databases (no rsID available, gnomAD 0.0009%). This variant has not been reported in the literature in individuals affected with EYA4-related conditions. ClinVar contains an entry for this variant (Variation ID: 1780096). Invitae Evidence Modeling of protein sequence and biophysical properties (such as structural, functional, and spatial information, amino acid conservation, physicochemical variation, residue mobility, and thermodynamic stability) indicates that this missense variant is not expected to disrupt EYA4 protein function with a negative predictive value of 80%. In summary, the available evidence is currently insufficient to determine the role of this variant in disease. Therefore, it has been classified as a Variant of Uncertain Significance.

Ambry Genetics
Classification: Uncertain significance for Cardiovascular phenotype. Last evaluated: 2021-04-20. Review status: criteria provided, single submitter. Criteria: Ambry Variant Classification Scheme 2023. Collection method: clinical testing. Allele origin: germline.
Comment: The p.V596I variant (also known as c.1786G>A), located in coding exon 18 of the EYA4 gene, results from a G to A substitution at nucleotide position 1786. The valine at codon 596 is replaced by isoleucine, an amino acid with highly similar properties. This amino acid position is highly conserved in available vertebrate species. In addition, the in silico prediction for this alteration is inconclusive. Since supporting evidence is limited at this time, the clinical significance of this alteration remains unclear.